The following is an entry in ClinVar:

ClinVar aggregate classification (germline): Uncertain significance (1 of 4 stars; one submission).

Submission:

GeneDx
Classification: Uncertain significance. Last evaluated: 2022-08-25. Review status: criteria provided, single submitter. Criteria: GeneDx Variant Classification Process June 2021. Collection method: clinical testing. Allele origin: germline. Affected: yes.
Comment: Not observed at significant frequency in large population cohorts (gnomAD); In silico analysis supports a deleterious effect on protein structure/function; Has not been previously published as pathogenic or benign to our knowledge

NM_001297595.2(SIN3B):c.2466_2467delinsAC (p.Met822_Val823delinsIleLeu)

Gene: SIN3B (SIN3 transcription regulator family member B; plus strand). Cytogenetic location: 19p13.11.
Variant type: Indel.
Coding change: c.2466_2467delinsAC on transcript NM_001297595.2 (MANE Select); coding-DNA positions 2466 to 2467, GG replaced by AC.
Protein change: p.Met822_Val823delinsIleLeu.
Molecular consequence: missense variant.
Genome position (GRCh38, 1-based): chr19:16,871,272-16,871,273, GG replaced by AC. VCF-style: chr19-16871272-GG-AC. GRCh37 (hg19) VCF-style: chr19-16982083-GG-AC.
Other names: c.1236_1237delinsAC, p.Met412_Val413delinsIleLeu (NM_001297597.2); c.2562_2563delinsAC, p.Met854_Val855delinsIleLeu (NM_015260.4).
Identifiers: ClinVar variation 1703441 (VCV001703441.2), dbSNP rs2513072380, ClinGen allele CA2580096696.